The following is an entry in ClinVar:

ClinVar aggregate classification (germline): Likely pathogenic (1 of 4 stars; one submission).

Conditions:
GNPTAB-mucolipidosis. Also called: UDP-N-acetylglucosamine-1-phosphotransferase subunit alpha/beta deficiency. Identifiers: MedGen CN322573, MONDO:0100122.

Allele frequency attached by ClinVar (database versions not stated): gnomAD exomes below 0.00001.
gnomAD v4.1: 1 of 1,614,092 alleles (0.000062%); highest among the groups gnomAD compares: Non-Finnish European, 0.000085%; no homozygotes.

Submission:

Myriad Genetics, Inc.
Classification: Likely pathogenic for GNPTAB-mucolipidosis. Last evaluated: 2019-12-14. Review status: criteria provided, single submitter. Criteria: Myriad Autosomal Dominant, Autosomal Recessive and X-Linked Classification Criteria (2023). Collection method: clinical testing. Allele origin: unknown.
Comment: NM_024312.4(GNPTAB):c.1882C>T(Q628*) is expected to be pathogenic in the context of GNPTAB-related disorders. This variant is predicted to lead to an abnormal or absent protein product due to the creation of a premature termination codon in GNPTAB, a gene where loss-of-function variants are known to be pathogenic. Please note: this variant was assessed in the context of healthy population screening.

NM_024312.5(GNPTAB):c.1882C>T (p.Gln628Ter)

Gene: GNPTAB (N-acetylglucosamine-1-phosphate transferase subunits alpha and beta; minus strand). Cytogenetic location: 12q23.2.
Variant type: single nucleotide variant.
Coding change: c.1882C>T on transcript NM_024312.5 (MANE Select); coding-DNA position 1882, C replaced by T.
Protein change: p.Gln628Ter; replaces glutamine 628 with a stop codon.
Molecular consequence: nonsense.
Genome position (GRCh38, 1-based): chr12:101,765,035, G>A on the plus strand (C>T on the coding strand, the complement: GNPTAB is on the minus strand). VCF-style: chr12-101765035-G-A. GRCh37 (hg19) VCF-style: chr12-102158813-G-A.
Other names: short protein forms Q628*.
Identifiers: ClinVar variation 983863 (VCV000983863.4), dbSNP rs1953067028, ClinGen allele CA386299487.